The following is an entry in ClinVar:

NM_005334.3(HCFC1):c.4094C>T (p.Thr1365Ile)

Gene: HCFC1 (host cell factor C1; minus strand). Cytogenetic location: Xq28.
Variant type: single nucleotide variant.
Coding change: c.4094C>T on transcript NM_005334.3 (MANE Select); coding-DNA position 4094, C replaced by T.
Protein change: p.Thr1365Ile; replaces threonine 1365 with isoleucine.
Molecular consequence: missense variant.
Genome position (GRCh38, 1-based): chrX:153,954,305, G>A on the plus strand (C>T on the coding strand, the complement: HCFC1 is on the minus strand). VCF-style: chrX-153954305-G-A. GRCh37 (hg19) VCF-style: chrX-153219756-G-A.
Other names: c.4094C>T, p.Thr1365Ile (NM_001410705.1); short protein forms T1365I.
Identifiers: ClinVar variation 3773823 (VCV003773823.1).

ClinVar aggregate classification (germline): Likely pathogenic (1 of 4 stars; one submission).

Conditions:
HCFC1-related disorders.

gnomAD v4.1: 1 of 1,199,832 alleles (0.000083%); no homozygotes.

Submission:

Rady Children's Institute for Genomic Medicine, Rady Children's Hospital San Diego
Classification: Likely pathogenic for HCFC1-related disorders. Last evaluated: 2024-05-17. Review status: criteria provided, single submitter. Criteria: ACMG Guidelines, 2015. Collection method: clinical testing. Allele origin: germline. Affected: yes.
Comment: The c.4094C>T (p.Thr1365Ile) variant affects a highly conserved amino acid and is predicted by multiple in silico tools to have a deleterious effect on protein function. This variant has not been previously reported or functionally characterized in the literature to our knowledge. The c.4094C>T (p.Thr1365Ile) variant is present in the heterozygous state in the gnomAD v4 population database at a frequency of 0.0001% (1/1199832), and is absent in the homozygous and hemizygous state, thus is presumed to be rare. Analysis of the parental samples was negative for the variant, indicating this variant likely occurred as a de novo event. Based on the available evidence, c.4094C>T (p.Thr1365Ile) is classified as Likely Pathogenic.